The following is an entry in ClinVar:

ClinVar aggregate classification (germline): Pathogenic/Likely pathogenic. Review status: criteria provided, multiple submitters, no conflicts (2 of 4 stars). 3 submissions from 3 submitters: Pathogenic (2); Likely pathogenic (1). Last evaluated 2025-02-09.

Conditions:
Granulomatous disease, chronic, autosomal recessive, cytochrome b-positive, type 2. Also called: GRANULOMATOUS DISEASE, CHRONIC, AUTOSOMAL RECESSIVE, 2; Chronic granulomatous disease due to deficiency of NCF-2; Chronic Granulomatous Disease, Autosomal Recessive, Cytochrome b-Positive, Type II; CGD, AUTOSOMAL RECESSIVE CYTOCHROME b-POSITIVE, TYPE II; GRANULOMATOUS DISEASE, CHRONIC, DUE TO NCF2 DEFICIENCY. Identifiers: Orphanet 379, MedGen C1856245, MONDO:0009310, OMIM 233710.
NCF2-related disorder. Also called: NCF2-related condition.

Allele frequency attached by ClinVar (database versions not stated): ExAC 0.00001; gnomAD exomes 0.00001; TOPMed 0.00002; gnomAD 0.00003.
gnomAD v4.1: 15 of 1,614,076 alleles (0.00093%); highest among the groups gnomAD compares: South Asian, 0.0022%; no homozygotes.

Submissions (3):

Labcorp Genetics (formerly Invitae), Labcorp
Classification: Pathogenic for Granulomatous disease, chronic, autosomal recessive, cytochrome b-positive, type 2. Last evaluated: 2025-02-09. Review status: criteria provided, single submitter. Criteria: Invitae Variant Classification Sherloc (09022015). Collection method: clinical testing. Allele origin: germline.
Comment: This sequence change creates a premature translational stop signal (p.Arg184*) in the NCF2 gene. It is expected to result in an absent or disrupted protein product. Loss-of-function variants in NCF2 are known to be pathogenic (PMID: 10498624, 20167518). This variant is present in population databases (rs766745748, gnomAD 0.003%). This premature translational stop signal has been observed in individual(s) with chronic granulomatous disease (PMID: 20167518, 30470980). ClinVar contains an entry for this variant (Variation ID: 636881). Algorithms developed to predict the effect of sequence changes on RNA splicing suggest that this variant may disrupt the consensus splice site. For these reasons, this variant has been classified as Pathogenic.

GeneDx
Classification: Pathogenic. Last evaluated: 2024-04-22. Review status: criteria provided, single submitter. Criteria: GeneDx Variant Classification Process June 2021. Collection method: clinical testing. Allele origin: germline. Affected: yes.
Comment: Nonsense variant predicted to result in protein truncation or nonsense mediated decay in a gene for which loss of function is a known mechanism of disease; This variant is associated with the following publications: (PMID: 25525159, 20167518, 28251166, 30470980, 32441320, 33365035, 33717137)

Blueprint Genetics
Classification: Likely pathogenic for NCF2-related disorders. Last evaluated: 2018-12-03. Review status: criteria provided, single submitter. Criteria: ACMG Guidelines, 2015. Collection method: clinical testing. Allele origin: germline. Affected: yes. Observed: 1 variant allele.

Literature cited by the submitters: PubMed 10498624 (cited by Labcorp Genetics (formerly Invitae), Labcorp); PubMed 20167518 (cited by Labcorp Genetics (formerly Invitae), Labcorp); PubMed 30470980 (cited by Labcorp Genetics (formerly Invitae), Labcorp).

NM_000433.4(NCF2):c.550C>T (p.Arg184Ter)

Gene: NCF2 (neutrophil cytosolic factor 2; minus strand). Cytogenetic location: 1q25.3.
Variant type: single nucleotide variant.
Coding change: c.550C>T on transcript NM_000433.4 (MANE Select); coding-DNA position 550, C replaced by T.
Protein change: p.Arg184Ter; replaces arginine 184 with a stop codon.
Molecular consequence: nonsense. On other transcripts: intron variant (1).
Genome position (GRCh38, 1-based): chr1:183,573,244, G>A on the plus strand (C>T on the coding strand, the complement: NCF2 is on the minus strand). VCF-style: chr1-183573244-G-A. GRCh37 (hg19) VCF-style: chr1-183542379-G-A.
Other names: c.550C>T, p.Arg184Ter (NM_001127651.3); c.415C>T, p.Arg139Ter (NM_001190794.2); c.367-2405C>T (NM_001190789.2); short protein forms R184*, R139*.
Identifiers: ClinVar variation 636881 (VCV000636881.8), dbSNP rs766745748, ClinGen allele CA1284927.